The following is an entry in ClinVar:

NM_004183.4(BEST1):c.1681A>G (p.Thr561Ala)

Gene: BEST1 (bestrophin 1; plus strand). Cytogenetic location: 11q12.3.
Variant type: single nucleotide variant.
Coding change: c.1681A>G on transcript NM_004183.4 (MANE Select); coding-DNA position 1681, A replaced by G.
Protein change: p.Thr561Ala; replaces threonine 561 with alanine.
Molecular consequence: missense variant. On other transcripts: non-coding transcript variant (1).
Genome position (GRCh38, 1-based): chr11:61,962,835, A>G. VCF-style: chr11-61962835-A-G. GRCh37 (hg19) VCF-style: chr11-61730307-A-G.
Other names: c.1501A>G, p.Thr501Ala (NM_001139443.3, NM_001300787.2); c.1420A>G, p.Thr474Ala (NM_001300786.2); c.1363A>G, p.Thr455Ala (NM_001363591.3); c.*576A>G (NM_001363592.2); c.709A>G, p.Thr237Ala (NM_001363593.3); short protein forms T561A, T237A, T501A, T474A, T455A.
Identifiers: ClinVar variation 99685 (VCV000099685.7), dbSNP rs281865283, ClinGen allele CA227732.
Genomic context (GRCh38, chr11:61,962,835, plus strand): 5'-CTGACGGATATGCCAGAGATCCCCGAAAATCACCTCAAAGAACCTTTGGAACAATCACCA[A>G]CCAACATACACACTACACTCAAAGATCACATGGATCCTTATTGGGCCTTGGAAAACAGGT-3'
Protein context (NP_004174.1, residues 551-571): HLKEPLEQSP[Thr561Ala]NIHTTLKDHM

ClinVar aggregate classification (germline): Uncertain significance. Review status: criteria provided, multiple submitters, no conflicts (2 of 4 stars). 6 submissions from 4 submitters: Uncertain significance (5). 1 of the submissions does not count toward it. Last evaluated 2025-02-13.

Conditions:
BEST1-related disorder. Also called: BEST1-related condition; BEST1-related disorders. Identifiers: MedGen CN239200.
Retinitis pigmentosa (RP). Identifiers: Orphanet 791, MedGen C0035334, MeSH D012174, MONDO:0019200, OMIM 268000. Inheritance: Autosomal dominant, autosomal recessive and X linked inheritance.
Vitelliform macular dystrophy 2. Also called: VITELLIFORM MACULAR DYSTROPHY, EARLY-ONSET; VITELLIFORM MACULAR DYSTROPHY, JUVENILE-ONSET; MACULAR DEGENERATION, POLYMORPHIC VITELLINE; Best Vitelliform Macular Dystrophy (BVMD); Best vitelliform macular dystrophy, multifocal; Best Macular Dystrophy. Identifiers: Orphanet 1243, MedGen C2745945, MONDO:0007931, OMIM 153700.
Autosomal dominant vitreoretinochoroidopathy. Also called: VITREORETINOCHOROIDOPATHY WITH MICROCORNEA, GLAUCOMA, AND CATARACT; Autosomal Dominant Vitreoretinochoroidopathy (ADVIRC); VITREORETINOCHOROIDOPATHY, AUTOSOMAL DOMINANT, WITH NANOPHTHALMOS. Identifiers: Orphanet 263347, Orphanet 3086, MedGen C3888099, MONDO:0008662, OMIM 193220.

Allele frequency attached by ClinVar (database versions not stated): gnomAD exomes below 0.00001.
gnomAD v4.1: 3 of 1,614,088 alleles (0.00019%); highest among the groups gnomAD compares: Non-Finnish European, 0.00017%; no homozygotes.

Submissions (6):

PreventionGenetics, part of Exact Sciences
Classification: Uncertain significance for BEST1-related condition. Last evaluated: 2025-02-13. Review status: criteria provided, single submitter. Criteria: ACMG Guidelines, 2015. Collection method: clinical testing. Allele origin: germline.
Comment: The BEST1 c.1681A>G variant is predicted to result in the amino acid substitution p.Thr561Ala. To our knowledge, this variant has not been reported in the literature or in a large population database (gnomAD), indicating this variant is rare. At this time, the clinical significance of this variant is uncertain due to the absence of conclusive functional and genetic evidence.

Blueprint Genetics
Classification: Uncertain significance. Last evaluated: 2024-11-01. Review status: criteria provided, single submitter. Criteria: ACMG Guidelines, 2015. Collection method: clinical testing. Allele origin: germline.

Illumina Laboratory Services, Illumina
Classification: Uncertain significance for Autosomal dominant vitreoretinochoroidopathy. Last evaluated: 2018-03-30. Review status: criteria provided, single submitter. Criteria: ICSL Variant Classification Criteria 13 December 2019. Collection method: clinical testing. Allele origin: germline.

Illumina Laboratory Services, Illumina
Classification: Uncertain significance for Retinitis pigmentosa. Last evaluated: 2018-03-30. Review status: criteria provided, single submitter. Criteria: ICSL Variant Classification Criteria 13 December 2019. Collection method: clinical testing. Allele origin: germline.

Illumina Laboratory Services, Illumina
Classification: Uncertain significance for Vitelliform macular dystrophy 2. Last evaluated: 2018-03-30. Review status: criteria provided, single submitter. Criteria: ICSL Variant Classification Criteria 13 December 2019. Collection method: clinical testing. Allele origin: germline.

Retina International
No classification provided. Review status: no classification provided. Collection method: not provided. Allele origin: not provided. Not counted in ClinVar's aggregate classification.